The following is an entry in ClinVar:

NM_000543.5(SMPD1):c.1692C>T (p.Gly564=)

Gene: SMPD1 (sphingomyelin phosphodiesterase 1; plus strand). Cytogenetic location: 11p15.4.
Variant type: single nucleotide variant.
Coding change: c.1692C>T on transcript NM_000543.5 (MANE Select); coding-DNA position 1692, C replaced by T.
Protein change: p.Gly564=; no amino-acid change (glycine 564 retained).
Molecular consequence: synonymous variant. On other transcripts: 3 prime UTR variant (1), non-coding transcript variant (2).
Genome position (GRCh38, 1-based): chr11:6,394,403, C>T. VCF-style: chr11-6394403-C-T. GRCh37 (hg19) VCF-style: chr11-6415633-C-T.
Other names: c.1689C>T, p.Gly563= (NM_001007593.3); c.*185C>T (NM_001318087.2); c.771C>T, p.Gly257= (NM_001318088.2); c.1560C>T, p.Gly520= (NM_001365135.2).
Identifiers: ClinVar variation 598409 (VCV000598409.19), dbSNP rs369787650, ClinGen allele CA5852969.
Genomic context (GRCh38, chr11:6,394,403, plus strand): 5'-CTATGGGCTGCCCAACACACTGCCTACCGCCTGGCACAACCTGGTATATCGCATGCGGGG[C>T]GACATGCAACTTTTCCAGACCTTCTGGTTTCTCTACCATAAGGGCCACCCACCCTCGGAG-3'
Protein context (NP_000534.3, residues 554-574): AWHNLVYRMR[Gly564=]DMQLFQTFWF

ClinVar aggregate classification (germline): Conflicting classifications of pathogenicity. Review status: criteria provided, conflicting classifications (1 of 4 stars). 5 submissions from 5 submitters: Uncertain significance (1); Likely benign (2). 2 of the submissions do not count toward it. Last evaluated 2025-10-17.

Conditions:
SMPD1-related disorder. Also called: SMPD1-related condition.
Inborn genetic diseases. Identifiers: MedGen C0950123, MeSH D030342.
Niemann-Pick disease, type B. Also called: Chronic Visceral ASMD (Niemann-Pick Disease Type B; NPD-B). Identifiers: Orphanet 77293, MedGen C0268243, MONDO:0011871, OMIM 607616. Disease mechanism: loss of function.
Niemann-Pick disease, type A. Also called: SPHINGOMYELIN LIPIDOSIS; SPHINGOMYELINASE DEFICIENCY; Infantile Neurovisceral ASMD (Niemann-Pick Disease Type A; NPD-A). Identifiers: Orphanet 77292, MedGen C0268242, MONDO:0009756, OMIM 257200. Disease mechanism: loss of function.
Sphingomyelin/cholesterol lipidosis. Also called: Niemann-Pick disease. Identifiers: MedGen C0028064, MONDO:0001982.

Allele frequency attached by ClinVar (database versions not stated): gnomAD 0.00001; ExAC 0.00002; gnomAD exomes 0.00002; TOPMed 0.00002; ESP Exome Variant Server 0.00008.

Submissions (5):

Labcorp Genetics (formerly Invitae), Labcorp
Classification: Likely benign for Niemann-Pick disease, type B; Niemann-Pick disease, type A. Last evaluated: 2025-10-17. Review status: criteria provided, single submitter. Criteria: Invitae Variant Classification Sherloc (09022015). Collection method: clinical testing. Allele origin: germline.

Ambry Genetics
Classification: Likely benign for Inborn genetic diseases. Last evaluated: 2020-12-10. Review status: criteria provided, single submitter. Criteria: Ambry Variant Classification Scheme 2023. Collection method: clinical testing. Allele origin: germline.

Eurofins Ntd Llc (ga)
Classification: Uncertain significance. Last evaluated: 2018-08-16. Review status: criteria provided, single submitter. Criteria: EGL ClinVar v180209 classification definitions. Collection method: clinical testing. Allele origin: germline. Observed: 2 variant alleles, 2 heterozygotes.

PreventionGenetics, part of Exact Sciences
Classification: Likely benign for SMPD1-related condition. Last evaluated: 2022-05-13. Review status: no assertion criteria provided. Collection method: clinical testing. Allele origin: germline. Not counted in ClinVar's aggregate classification.
Comment: This variant is classified as likely benign based on ACMG/AMP sequence variant interpretation guidelines (Richards et al. 2015 PMID: 25741868, with internal and published modifications).

Natera, Inc.
Classification: Likely benign for Acid sphingomyelinase deficiency. Last evaluated: 2020-09-16. Review status: no assertion criteria provided. Collection method: clinical testing. Allele origin: germline. Not counted in ClinVar's aggregate classification.